The following is an entry in ClinVar:

ClinVar aggregate classification (germline): Uncertain significance (1 of 4 stars; one submission).

Conditions:
Emery-Dreifuss muscular dystrophy 5, autosomal dominant (EDMD5). Also called: EMERY-DREIFUSS MUSCULAR DYSTROPHY 5. Identifiers: Orphanet 261, MedGen C2751805, MONDO:0013072, OMIM 612999.

gnomAD v4.1: 6 of 1,614,026 alleles (0.00037%); highest among the groups gnomAD compares: Non-Finnish European, 0.00051%; no homozygotes.

Submission:

Labcorp Genetics (formerly Invitae), Labcorp
Classification: Uncertain significance for Emery-Dreifuss muscular dystrophy 5, autosomal dominant. Last evaluated: 2024-05-14. Review status: criteria provided, single submitter. Criteria: Invitae Variant Classification Sherloc (09022015). Collection method: clinical testing. Allele origin: germline.
Comment: This sequence change replaces glutamic acid, which is acidic and polar, with lysine, which is basic and polar, at codon 720 of the SYNE2 protein (p.Glu720Lys). This variant is present in population databases (no rsID available, gnomAD 0.0009%). This variant has not been reported in the literature in individuals affected with SYNE2-related conditions. Algorithms developed to predict the effect of missense changes on protein structure and function output the following: SIFT: "Not Available"; PolyPhen-2: "Benign"; Align-GVGD: "Not Available". The lysine amino acid residue is found in multiple mammalian species, which suggests that this missense change does not adversely affect protein function. In summary, the available evidence is currently insufficient to determine the role of this variant in disease. Therefore, it has been classified as a Variant of Uncertain Significance.

NM_182914.3(SYNE2):c.2158G>A (p.Glu720Lys)

Gene: SYNE2 (spectrin repeat containing nuclear envelope protein 2; plus strand). Cytogenetic location: 14q23.2.
Variant type: single nucleotide variant.
Coding change: c.2158G>A on transcript NM_182914.3 (MANE Select); coding-DNA position 2158, G replaced by A.
Protein change: p.Glu720Lys; replaces glutamic acid 720 with lysine.
Molecular consequence: missense variant.
Genome position (GRCh38, 1-based): chr14:63,986,462, G>A. VCF-style: chr14-63986462-G-A. GRCh37 (hg19) VCF-style: chr14-64453180-G-A.
Other names: c.2158G>A, p.Glu720Lys (NM_015180.6); short protein forms E720K.
Identifiers: ClinVar variation 3653378 (VCV003653378.2).